The following is an entry in ClinVar:

ClinVar aggregate classification (germline): Uncertain significance. Review status: criteria provided, multiple submitters, no conflicts (2 of 4 stars). 2 submissions from 2 submitters: Uncertain significance (2). Last evaluated 2025-06-16.

Conditions:
Spastic paraplegia, intellectual disability, nystagmus, and obesity. Also called: Spastic paraplegia, intellectual disability, nystagmus, and obesity;. Identifiers: Orphanet 521390, MedGen C4284592, MONDO:0015007, OMIM 617296.
Ventriculomegaly and arthrogryposis. Identifiers: MedGen C5561973, MONDO:0859184, OMIM 619501.
KIDINS220-related disorder. Also called: KIDINS220-related condition.

gnomAD v4.1: 5 of 1,614,034 alleles (0.00031%); highest among the groups gnomAD compares: Admixed American, 0.0017%; no homozygotes.

Submissions (2):

PreventionGenetics, part of Exact Sciences
Classification: Uncertain significance for KIDINS220-related condition. Last evaluated: 2025-06-16. Review status: criteria provided, single submitter. Criteria: ACMG Guidelines, 2015. Collection method: clinical testing. Allele origin: germline.
Comment: The KIDINS220 c.3545A>T variant is predicted to result in the amino acid substitution p.Asp1182Val. To our knowledge, this variant has not been reported in the literature. This variant is reported in 0.0029% of alleles in individuals of Latino descent in gnomAD. At this time, the clinical significance of this variant is uncertain due to the absence of conclusive functional and genetic evidence.

Juno Genomics, Hangzhou Juno Genomics, Inc
Classification: Uncertain significance for Spastic paraplegia, intellectual disability, nystagmus, and obesity; Ventriculomegaly and arthrogryposis. Review status: criteria provided, single submitter. Criteria: ACMG Guidelines, 2015. Collection method: clinical testing. Allele origin: germline.
Comment: Absent from controls (or at extremely low frequency if recessive) in Genome Aggregation Database.;Missense variant in a gene that has a low rate of benign missense variation.;Multiple lines of computational evidence suggest no impact on gene or gene product.

NM_020738.4(KIDINS220):c.3545A>T (p.Asp1182Val)

Gene: KIDINS220 (kinase D interacting substrate 220; minus strand). Cytogenetic location: 2p25.1.
Variant type: single nucleotide variant.
Coding change: c.3545A>T on transcript NM_020738.4 (MANE Select); coding-DNA position 3545, A replaced by T.
Protein change: p.Asp1182Val; replaces aspartic acid 1182 with valine.
Molecular consequence: missense variant. On other transcripts: non-coding transcript variant (1), intron variant (11).
Genome position (GRCh38, 1-based): chr2:8,747,185, T>A on the plus strand (A>T on the coding strand, the complement: KIDINS220 is on the minus strand). VCF-style: chr2-8747185-T-A. GRCh37 (hg19) VCF-style: chr2-8887315-T-A.
Other names: c.3548A>T, p.Asp1183Val (NM_001348729.2); c.3414+2927A>T (NM_001348741.2, NM_001348742.2, NM_001348743.2 and 1 more transcripts); c.3528+702A>T (NM_001348738.2, NM_001348732.2); c.3417+2927A>T (NM_001348739.2, NM_001348740.2, NM_001348734.2); c.3531+702A>T (NM_001348731.2); c.3288+2927A>T (NM_001348736.2); short protein forms D1182V, D1183V.
Identifiers: ClinVar variation 4986929 (VCV004986929.2).